The following is an entry in ClinVar:

NM_000503.6(EYA1):c.337_338del (p.Gln113fs)

Gene: EYA1 (EYA transcriptional coactivator and phosphatase 1; minus strand). Cytogenetic location: 8q13.3.
Variant type: Microsatellite.
Coding change: c.337_338del on transcript NM_000503.6 (MANE Select); coding-DNA positions 337 to 338, 2 bases deleted (CA; older notation c.337_338delCA).
Protein change: p.Gln113fs; shifts the reading frame from glutamine 113.
Molecular consequence: frameshift variant. On other transcripts: splice acceptor variant (1).
Genome position (GRCh38, 1-based): chr8:71,321,814-71,321,815, TG deleted on the plus strand (CA on the coding strand, the reverse complement: EYA1 is on the minus strand); deleting any 2 consecutive bases within chr8:71,321,814-71,321,818 gives the same sequence; the c. name uses the placement nearest the transcript's 3' end. VCF-style (leftmost placement, unchanged base first): chr8-71321813-CTG-C. GRCh37 (hg19) VCF-style: chr8-72234048-CTG-C.
Other names: c.-12-3_-12-2del (NM_001288575.2); c.334_335del, p.Gln112fs (NM_001288574.2); c.424_425del, p.Gln142fs (NM_001370333.1, NM_172059.5); c.337_338del, p.Gln113fs (NM_001370334.1, NM_001370335.1, NM_172058.4); c.421_422del, p.Gln141fs (NM_001370336.1); c.238_239del, p.Gln80fs (NM_001411797.1, NM_172060.4); short protein forms Q141fs, Q112fs, Q113fs, Q142fs, Q80fs.
Identifiers: ClinVar variation 3651372 (VCV003651372.2).

ClinVar aggregate classification (germline): Pathogenic (1 of 4 stars; one submission).

Conditions:
Melnick-Fraser syndrome (BOR). Also called: Branchiootorenal Syndrome (BORS); Branchiootorenal syndrome; Branchio-oto-renal syndrome. Identifiers: Orphanet 107, MedGen C0265234, MONDO:0007029.

Submission:

Labcorp Genetics (formerly Invitae), Labcorp
Classification: Pathogenic for Melnick-Fraser syndrome. Last evaluated: 2024-04-27. Review status: criteria provided, single submitter. Criteria: Invitae Variant Classification Sherloc (09022015). Collection method: clinical testing. Allele origin: germline.
Comment: This sequence change creates a premature translational stop signal (p.Gln113Valfs*36) in the EYA1 gene. It is expected to result in an absent or disrupted protein product. Loss-of-function variants in EYA1 are known to be pathogenic (PMID: 10464653, 18220287). This variant is not present in population databases (gnomAD no frequency). This variant has not been reported in the literature in individuals affected with EYA1-related conditions. For these reasons, this variant has been classified as Pathogenic.

Literature cited by the submitters: PubMed 10464653; PubMed 18220287.